The following is an entry in ClinVar:

NM_001184900.3(CARD8):c.388dup (p.Ser130fs)

Gene: CARD8 (caspase recruitment domain family member 8; minus strand). Cytogenetic location: 19q13.33.
Variant type: Duplication.
Coding change: c.388dup on transcript NM_001184900.3 (MANE Select); coding-DNA position 388, one base duplicated (T; older notation c.388dupT).
Protein change: p.Ser130fs; shifts the reading frame from serine 130.
Molecular consequence: frameshift variant. On other transcripts: intron variant (6).
Genome position (GRCh38, 1-based): chr19:48,232,456, A duplicated on the plus strand (T on the coding strand, the reverse complement: CARD8 is on the minus strand); the first of 2 consecutive A bases (chr19:48,232,456-48,232,457); duplicating either gives the same sequence. VCF-style (leftmost placement, unchanged base first): chr19-48232455-G-GA. GRCh37 (hg19) VCF-style: chr19-48735712-G-GA.
Other names: c.238dup, p.Ser80fs (NM_001184901.1, NM_001351783.2, NM_001351788.2 and 2 more transcripts); c.388dup, p.Ser130fs (NM_001184902.2, NM_001184903.1, NM_001351782.2); c.52dup, p.Ser18fs (NM_001351786.2); c.77-646dup (NM_001351787.2, NM_001351791.2, NM_001351792.2 and 2 more transcripts); c.149-646dup (NM_001351790.2); short protein forms S130fs, S18fs, S80fs.
Identifiers: ClinVar variation 3605938 (VCV003605938.2).

ClinVar aggregate classification (germline): Uncertain significance (1 of 4 stars; one submission).

Submission:

Labcorp Genetics (formerly Invitae), Labcorp
Classification: Uncertain significance. Last evaluated: 2024-04-22. Review status: criteria provided, single submitter. Criteria: Invitae Variant Classification Sherloc (09022015). Collection method: clinical testing. Allele origin: germline.
Comment: This sequence change creates a premature translational stop signal (p.Ser80Phefs*18) in the CARD8 gene. It is expected to result in an absent or disrupted protein product. However, the current clinical and genetic evidence is not sufficient to establish whether loss-of-function variants in CARD8 cause disease. This variant is present in population databases (no rsID available, gnomAD 0.004%). This variant has not been reported in the literature in individuals affected with CARD8-related conditions. In summary, the available evidence is currently insufficient to determine the role of this variant in disease. Therefore, it has been classified as a Variant of Uncertain Significance.